The following is an entry in ClinVar:

ClinVar aggregate classification (germline): Uncertain significance. Review status: criteria provided, multiple submitters, no conflicts (2 of 4 stars). 2 submissions from 2 submitters: Uncertain significance (2). Last evaluated 2026-01-06.

Conditions:
Developmental and epileptic encephalopathy, 12 (DEE12). Identifiers: MedGen C3150988, MONDO:0013389, OMIM 613722.

Allele frequency attached by ClinVar (database versions not stated): gnomAD exomes below 0.00001 and 0.00001; gnomAD 0.00001.

Submissions (2):

Labcorp Genetics (formerly Invitae), Labcorp
Classification: Uncertain significance for Developmental and epileptic encephalopathy, 12. Last evaluated: 2026-01-06. Review status: criteria provided, single submitter. Criteria: Invitae Variant Classification Sherloc (09022015). Collection method: clinical testing. Allele origin: germline.
Comment: This sequence change replaces leucine, which is neutral and non-polar, with proline, which is neutral and non-polar, at codon 382 of the PNKP protein (p.Leu382Pro). This variant is present in population databases (rs796052855, gnomAD 0.003%). This variant has not been reported in the literature in individuals affected with PNKP-related conditions. ClinVar contains an entry for this variant (Variation ID: 206405). Invitae Evidence Modeling of protein sequence and biophysical properties (such as structural, functional, and spatial information, amino acid conservation, physicochemical variation, residue mobility, and thermodynamic stability) indicates that this missense variant is not expected to disrupt PNKP protein function with a negative predictive value of 80%. In summary, the available evidence is currently insufficient to determine the role of this variant in disease. Therefore, it has been classified as a Variant of Uncertain Significance.

GeneDx
Classification: Uncertain significance. Last evaluated: 2012-10-19. Review status: criteria provided, single submitter. Criteria: GeneDx Variant Classification (06012015). Collection method: clinical testing. Allele origin: germline. Affected: yes.
Comment: p.Leu382Pro (CTC>CCC):c.1145 T>C in exon 13 of the PNKP gene (NM_007254.2) The Leu382Pro missense change has not been published as a mutation, nor has it been reported as a benign polymorphism to our knowledge. The NHLBI ESP Exome Variant Project has not identified Leu382Pro in approximately 6,500 individuals of European or African American ethnicity, indicating that it is not a common benign variant in these populations. The amino acid substitution is semi-conservative, as both Leucine and Proline are uncharged, non-polar amino acid residues but the gain of a Proline could affected the secondary structure of the PNKP protein. Leu382Pro alters a conserved position in the DNA kinase domain of the protein. However, other missense mutations have not been reported at nearby codons and several in silico algorithms predict Leu382Pro is not pathogenic. Therefore, based on the currently available information, it is unclear whether Leu382Pro is a disease-causing mutation or a rare benign variant.The variant is found in EPILEPSY panel(s).

NM_007254.4(PNKP):c.1145T>C (p.Leu382Pro)

Gene: PNKP (polynucleotide kinase 3'-phosphatase; minus strand). Cytogenetic location: 19q13.33.
Variant type: single nucleotide variant.
Coding change: c.1145T>C on transcript NM_007254.4 (MANE Select); coding-DNA position 1145, T replaced by C.
Protein change: p.Leu382Pro; replaces leucine 382 with proline.
Molecular consequence: missense variant.
Genome position (GRCh38, 1-based): chr19:49,862,087, A>G on the plus strand (T>C on the coding strand, the complement: PNKP is on the minus strand). VCF-style: chr19-49862087-A-G. GRCh37 (hg19) VCF-style: chr19-50365344-A-G.
Other names: p.L382P:CTC>CCC; short protein forms L382P.
Identifiers: ClinVar variation 206405 (VCV000206405.9), dbSNP rs796052855, ClinGen allele CA316488.